The following is an entry in ClinVar:

NM_002335.4(LRP5):c.19G>C (p.Gly7Arg)

Gene: LRP5 (LDL receptor related protein 5; plus strand). Cytogenetic location: 11q13.2.
Variant type: single nucleotide variant.
Coding change: c.19G>C on transcript NM_002335.4 (MANE Select); coding-DNA position 19, G replaced by C.
Protein change: p.Gly7Arg; replaces glycine 7 with arginine.
Molecular consequence: missense variant. On other transcripts: 5 prime UTR variant (1).
Genome position (GRCh38, 1-based): chr11:68,312,733, G>C. VCF-style: chr11-68312733-G-C. GRCh37 (hg19) VCF-style: chr11-68080201-G-C.
Other names: c.-1747G>C (NM_001291902.2); short protein forms G7R.
Identifiers: ClinVar variation 2095425 (VCV002095425.4), dbSNP rs1320492358, ClinGen allele CA381607276.

ClinVar aggregate classification (germline): Uncertain significance (1 of 4 stars; one submission).

Allele frequency attached by ClinVar (database versions not stated): gnomAD exomes below 0.00001.
gnomAD v4.1: 2 of 1,054,522 alleles (0.00019%); highest among the groups gnomAD compares: Non-Finnish European, 0.00023%; no homozygotes.

Submission:

Labcorp Genetics (formerly Invitae), Labcorp
Classification: Uncertain significance. Last evaluated: 2024-07-15. Review status: criteria provided, single submitter. Criteria: Invitae Variant Classification Sherloc (09022015). Collection method: clinical testing. Allele origin: germline.
Comment: This sequence change replaces glycine, which is neutral and non-polar, with arginine, which is basic and polar, at codon 7 of the LRP5 protein (p.Gly7Arg). The frequency data for this variant in the population databases is considered unreliable, as metrics indicate insufficient coverage at this position in the gnomAD database. This variant has not been reported in the literature in individuals affected with LRP5-related conditions. ClinVar contains an entry for this variant (Variation ID: 2095425). Advanced modeling of protein sequence and biophysical properties (such as structural, functional, and spatial information, amino acid conservation, physicochemical variation, residue mobility, and thermodynamic stability) performed at Invitae indicates that this missense variant is not expected to disrupt LRP5 protein function with a negative predictive value of 95%. In summary, the available evidence is currently insufficient to determine the role of this variant in disease. Therefore, it has been classified as a Variant of Uncertain Significance.